The following is an entry in ClinVar:

NM_025081.3(NYNRIN):c.3710G>A (p.Arg1237Gln)

Gene: NYNRIN (NYN domain and retroviral integrase containing; plus strand). Cytogenetic location: 14q12.
Variant type: single nucleotide variant.
Coding change: c.3710G>A on transcript NM_025081.3 (MANE Select); coding-DNA position 3710, G replaced by A.
Protein change: p.Arg1237Gln; replaces arginine 1237 with glutamine.
Molecular consequence: missense variant.
Genome position (GRCh38, 1-based): chr14:24,415,459, G>A. VCF-style: chr14-24415459-G-A. GRCh37 (hg19) VCF-style: chr14-24884665-G-A.
Other names: short protein forms R1237Q.
Identifiers: ClinVar variation 2377786 (VCV002377786.3), dbSNP rs1391536662, ClinGen allele CA389304203.
Genomic context (GRCh38, chr14:24,415,459, plus strand): 5'-AGCATTTTTCCCGCTGCATTGGAGACACCCCGGTGGTCCTGGACCTTTCCTATGCCTCCC[G>A]GACCACTGCGGACCCTGAGGTGCGGGAGGGCCGCAGGGTTTCCAAAGCTTGGTTGATCCG-3'
Protein context (NP_079357.2, residues 1227-1247): PVVLDLSYAS[Arg1237Gln]TTADPEVREG

ClinVar aggregate classification (germline): Uncertain significance. Review status: criteria provided, multiple submitters, no conflicts (2 of 4 stars). 2 submissions from 2 submitters: Uncertain significance (2). Last evaluated 2026-01-21.

gnomAD v4.1: 9 of 1,613,740 alleles (0.00056%); highest among the groups gnomAD compares: East Asian, 0.0022%; no homozygotes.

Submissions (2):

Labcorp Genetics (formerly Invitae), Labcorp
Classification: Uncertain significance. Last evaluated: 2026-01-21. Review status: criteria provided, single submitter. Criteria: Invitae Variant Classification Sherloc (09022015). Collection method: clinical testing. Allele origin: germline.
Comment: This sequence change replaces arginine, which is basic and polar, with glutamine, which is neutral and polar, at codon 1237 of the NYNRIN protein (p.Arg1237Gln). This variant is not present in population databases (gnomAD no frequency). This variant has not been reported in the literature in individuals affected with NYNRIN-related conditions. ClinVar contains an entry for this variant (Variation ID: 2377786). Experimental studies and prediction algorithms are not available or were not evaluated, and the functional significance of this variant is currently unknown. In summary, the available evidence is currently insufficient to determine the role of this variant in disease. Therefore, it has been classified as a Variant of Uncertain Significance.

Ambry Genetics
Classification: Uncertain significance. Last evaluated: 2022-03-11. Review status: criteria provided, single submitter. Criteria: Ambry Variant Classification Scheme 2023. Collection method: clinical testing. Allele origin: germline.